The following is an entry in ClinVar:

ClinVar aggregate classification (germline): Conflicting classifications of pathogenicity. Review status: criteria provided, conflicting classifications (1 of 4 stars). 13 submissions from 13 submitters: Uncertain significance (6); Likely benign (6). 1 of the submissions does not count toward it. Last evaluated 2025-11-21.

Conditions:
BRCA2-related cancer predisposition. Identifiers: MedGen CN377758, MONDO:0700269.
Hereditary cancer-predisposing syndrome. Also called: Neoplastic Syndromes, Hereditary; Hereditary Cancer Syndrome; Tumor predisposition; Hereditary neoplastic syndrome. Identifiers: Orphanet 140162, MedGen C0027672, MeSH D009386, MONDO:0015356.
Familial cancer of breast. Also called: BREAST CANCER, FAMILIAL; Hereditary breast cancer; hereditary breast carcinoma. Identifiers: Orphanet 227535, MedGen C0346153, MONDO:0016419, OMIM 114480. Disease mechanism: loss of function.
Breast-ovarian cancer, familial, susceptibility to, 2 (BROVCA2). Also called: BRCA2 Hereditary Breast and Ovarian Cancer. Identifiers: Orphanet 145, MedGen C2675520, MONDO:0012933, OMIM 612555. Disease mechanism: loss of function.
Hereditary breast ovarian cancer syndrome. Also called: BRCA1- and BRCA2-Associated Hereditary Breast and Ovarian Cancer; Hereditary breast and ovarian cancer; Hereditary breast and ovarian cancer syndrome; Hereditary breast and ovarian cancer syndrome (HBOC); Hereditary breast and/or ovarian cancer syndrome; Breast and ovarian cancer. Identifiers: Orphanet 145, MedGen C0677776, MeSH D061325, MONDO:0003582. Disease mechanism: loss of function.

Allele frequency attached by ClinVar (database versions not stated): gnomAD exomes 0.00001; TOPMed 0.00005; ExAC 0.00002; gnomAD 0.00006.
gnomAD v4.1: 22 of 1,613,278 alleles (0.0014%); highest among the groups gnomAD compares: African/African-American, 0.029%; no homozygotes.

Submissions (13):

Women's Health and Genetics/Laboratory Corporation of America, LabCorp
Classification: Uncertain significance. Last evaluated: 2025-11-21. Review status: criteria provided, single submitter. Criteria: LabCorp Variant Classification Summary - May 2015. Collection method: clinical testing. Allele origin: germline.
Comment: Variant summary: BRCA2 c.5498A>G (p.Asn1833Ser) results in a conservative amino acid change in the encoded protein sequence. Algorithms developed to predict the effect of missense changes on protein structure and function all suggest that this variant is likely to be tolerated. The variant allele was found at a frequency of 8e-06 in 250496 control chromosomes. The available data on variant occurrences in the general population are insufficient to allow any conclusion about variant significance. c.5498A>G has been reported in the literature as a VUS in at-least one individual affected with Hereditary Breast and/or Ovarian Cancer (example, Zuntini_2018). This report does not provide unequivocal conclusions about association of the variant with Hereditary Breast And Ovarian Cancer Syndrome. At-least one co-occurrence with another pathogenic variant has been observed at our laboratory (BRCA1 c.4327C>T, p.Arg1443Ter). To our knowledge, no experimental evidence demonstrating an impact on protein function has been reported. The following publication has been ascertained in the context of this evaluation (PMID: 30254663). ClinVar contains an entry for this variant (Variation ID: 142634). Based on the evidence outlined above, the variant was classified as uncertain significance.

Quest Diagnostics Nichols Institute San Juan Capistrano
Classification: Uncertain significance. Last evaluated: 2025-08-15. Review status: criteria provided, single submitter. Criteria: Quest Diagnostics criteria. Collection method: clinical testing. Allele origin: unknown.
Comment: The BRCA2 c.5498A>G (p.Asn1833Ser) variant has been reported in a family with hereditary breast and ovarian cancer (HBOC) syndrome (PMID: 30254663 (2018)). This variant has also been observed in a study cohort of individuals with prostate cancer as well as reportedly unaffected individuals (PMID: 32832836 (2020)). The frequency of this variant in the general population (Genome Aggregation Database) is uninformative in the assessment of its pathogenicity. Analysis of this variant using bioinformatics tools for the prediction of the effect of amino acid changes on protein structure and function yielded predictions that this variant is benign. Based on the available information, we are unable to determine the clinical significance of this variant.

Dasa
Classification: Likely benign for Breast-ovarian cancer, familial, susceptibility to, 2. Last evaluated: 2025-02-01. Review status: criteria provided, single submitter. Criteria: DASA Assertion Criteria. Collection method: clinical testing. Allele origin: germline.
Comment: NM_000059.4(BRCA2):c.5498A>G (p.Asn1833Ser) is a missense variant that results in the substitution of asparagine with serine. Population frequency is inconsistent with a disease-causing role for this variant, and the variant context is inconsistent with a known disease-causing mechanism. Therefore, based on the currently available evidence, this variant is classified as likely benign.

Labcorp Genetics (formerly Invitae), Labcorp
Classification: Uncertain significance for Hereditary breast ovarian cancer syndrome. Last evaluated: 2025-01-11. Review status: criteria provided, single submitter. Criteria: Invitae Variant Classification Sherloc (09022015). Collection method: clinical testing. Allele origin: germline.
Comment: This sequence change replaces asparagine, which is neutral and polar, with serine, which is neutral and polar, at codon 1833 of the BRCA2 protein (p.Asn1833Ser). This variant is present in population databases (rs587782601, gnomAD 0.02%). This variant has not been reported in the literature in individuals affected with BRCA2-related conditions. ClinVar contains an entry for this variant (Variation ID: 142634). Invitae Evidence Modeling of protein sequence and biophysical properties (such as structural, functional, and spatial information, amino acid conservation, physicochemical variation, residue mobility, and thermodynamic stability) indicates that this missense variant is not expected to disrupt BRCA2 protein function with a negative predictive value of 95%. RNA analysis performed to evaluate the impact of this missense change on mRNA splicing indicates it does not significantly alter splicing (internal data). In summary, the available evidence is currently insufficient to determine the role of this variant in disease. Therefore, it has been classified as a Variant of Uncertain Significance.

All of Us Research Program, National Institutes of Health
Classification: Likely benign for BRCA2-related cancer predisposition. Last evaluated: 2024-06-09. Review status: criteria provided, single submitter. Criteria: ACMG Guidelines, 2015. Collection method: clinical testing. Allele origin: germline. Inheritance: Autosomal dominant inheritance. Observed: 4 variant alleles, 4 heterozygotes.
Comment: This study involves interpretation of variants in research participants for the purpose of population health screening. Participant phenotype was not available at the time of variant classification. Additional details can be found in publication PMID: 35346344, PMCID: PMC8962531

St. Jude Molecular Pathology, St. Jude Children's Research Hospital
Classification: Uncertain significance for Breast-ovarian cancer, familial, susceptibility to, 2. Last evaluated: 2023-09-22. Review status: criteria provided, single submitter. Criteria: St. Jude Assertion Criteria 2020. Collection method: clinical testing. Allele origin: germline.
Comment: The BRCA2 c.5498A>G (p.Asn1833Ser) missense change a maximum subpopulation frequency of 0.016% in gnomAD v2.1.1. The in silico tool REVEL predicts a benign effect on protein function, but to our knowledge this prediction has not been confirmed by functional studies. This variant has been reported in an individual with breast and/or ovarian cancer (PMID: 30254663). To our knowledge, this variant has not been reported in individuals with Fanconi anemia. In summary, the evidence currently available is insufficient to determine the clinical significance of this variant. It has therefore been classified as of uncertain significance.

Department of Pathology and Laboratory Medicine, Sinai Health System
Classification: Uncertain significance for Familial cancer of breast; Breast-ovarian cancer, familial, susceptibility to, 2. Last evaluated: 2023-05-11. Review status: criteria provided, single submitter. Criteria: ACMG Guidelines, 2015. Collection method: clinical testing. Allele origin: germline. Affected: yes.

University of Washington Department of Laboratory Medicine, University of Washington
Classification: Likely benign for Hereditary cancer-predisposing syndrome. Last evaluated: 2023-03-23. Review status: criteria provided, single submitter. Criteria: Dines et al. (Genet Med. 2020). Collection method: curation. Allele origin: germline.
Comment: Missense variant in a coldspot region where missense variants are very unlikely to be pathogenic (PMID:31911673).

BRCA2 exon 11 coldspot. Reclassification based on statistical prior probability.

GeneDx
Classification: Likely benign. Last evaluated: 2020-03-02. Review status: criteria provided, single submitter. Criteria: GeneDx Variant Classification Process June 2021. Collection method: clinical testing. Allele origin: germline. Affected: yes.

ARUP Laboratories, Molecular Genetics and Genomics, ARUP Laboratories
Classification: Uncertain significance. Last evaluated: 2019-05-15. Review status: criteria provided, single submitter. Criteria: ARUP Molecular Germline Variant Investigation Process. Collection method: clinical testing. Allele origin: germline.
Comment: The BRCA2 c.5498A>G; p.Asn1833Ser variant (rs587782601) is reported in the literature in a family affected with breast and/or ovarian cancer, although its clinical significance was not determined in this study (Zuntini 2018). This variant is found on only four chromosomes (4/24840 alleles) in the Genome Aggregation Database, and it is reported in ClinVar (Variation ID: 142634). The asparagine at codon 1833 is weakly conserved, but computational analyses (SIFT: damaging, PolyPhen-2: benign) predict conflicting effects of this variant on protein structure/function. Due to limited information, the clinical significance of the p.Asn1833Ser variant is uncertain at this time. References: Zuntini R et al. Dealing With BRCA1/2 Unclassified Variants in a Cancer Genetics Clinic: Does Cosegregation Analysis Help? Front Genet. 2018 Sep 11;9:378.

Color Diagnostics, LLC DBA Color Health
Classification: Likely benign for Hereditary cancer-predisposing syndrome. Last evaluated: 2018-07-11. Review status: criteria provided, single submitter. Criteria: ACMG Guidelines, 2015. Collection method: clinical testing. Allele origin: germline.

Ambry Genetics
Classification: Likely benign for Hereditary cancer-predisposing syndrome. Last evaluated: 2017-05-18. Review status: criteria provided, single submitter. Criteria: Ambry Variant Classification Scheme 2023. Collection method: clinical testing. Allele origin: germline.

Department of Medical and Surgical Sciences, University of Bologna
Classification: Benign for Breast-ovarian cancer, familial, susceptibility to, 2. Last evaluated: 2023-09-01. Review status: no assertion criteria provided. Collection method: clinical testing. Allele origin: germline. Affected: yes. Not counted in ClinVar's aggregate classification.
Comment: BS1(Strong)+BP1(Strong) according to ACMG/AMP classification guidelines specified for BRCA1 & BRCA2 (Classification Criteria V1.0.0 2023-09-08) (PMID: 38160042)

Literature cited by the submitters: PubMed 30254663 (cited by Women's Health and Genetics/Laboratory Corporation of America, LabCorp and Quest Diagnostics Nichols Institute San Juan Capistrano); PubMed 32832836 (cited by Quest Diagnostics Nichols Institute San Juan Capistrano); PubMed 31911673 (cited by Quest Diagnostics Nichols Institute San Juan Capistrano).

NM_000059.4(BRCA2):c.5498A>G (p.Asn1833Ser)

Gene: BRCA2 (BRCA2 DNA repair associated; plus strand). Cytogenetic location: 13q13.1.
Variant type: single nucleotide variant.
Coding change: c.5498A>G on transcript NM_000059.4 (MANE Select); coding-DNA position 5498, A replaced by G.
Protein change: p.Asn1833Ser; replaces asparagine 1833 with serine.
Molecular consequence: missense variant.
Genome position (GRCh38, 1-based): chr13:32,339,853, A>G. VCF-style: chr13-32339853-A-G. GRCh37 (hg19) VCF-style: chr13-32913990-A-G.
Other names: short protein forms N1833S.
Identifiers: ClinVar variation 142634 (VCV000142634.48), dbSNP rs587782601, ClinGen allele CA022451.